The following is an entry in ClinVar:

NM_001364905.1(LRBA):c.4340-5T>C

Gene: LRBA (LPS responsive beige-like anchor protein; minus strand). Cytogenetic location: 4q31.3.
Variant type: single nucleotide variant.
Coding change: c.4340-5T>C on transcript NM_001364905.1 (MANE Select); 5 bases into the intron before coding-DNA position 4340, T replaced by C.
Molecular consequence: intron variant.
Genome position (GRCh38, 1-based): chr4:150,844,784, A>G on the plus strand (T>C on the coding strand, the complement: LRBA is on the minus strand). VCF-style: chr4-150844784-A-G. GRCh37 (hg19) VCF-style: chr4-151765936-A-G.
Other names: c.4340-5T>C (NM_001367550.1, NM_006726.5, NM_001199282.3 and 2 more transcripts).
Identifiers: ClinVar variation 1309363 (VCV001309363.2), dbSNP rs2126887700, ClinGen allele CA2573052305.
Genomic context (GRCh38, chr4:150,844,784, plus strand): 5'-TTTCAGTTGTGAATGCTGTTGACACTCCAAGCAATTCCTTACTGCGACTGCACAAACTGT[A>G]ATTTATTTTAAGGAAAAGATAGGGAAAGAAAAGTTAATATTTAAGATTATGGAAGTGAAA-3'

ClinVar aggregate classification (germline): Uncertain significance (1 of 4 stars; one submission).

Submission:

GeneDx
Classification: Uncertain significance. Last evaluated: 2019-10-17. Review status: criteria provided, single submitter. Criteria: GeneDx Variant Classification Process June 2021. Collection method: clinical testing. Allele origin: germline. Affected: yes.
Comment: Has not been previously published as pathogenic or benign to our knowledge; Not observed in large population cohorts (Lek et al., 2016); In-silico analysis, which includes splice predictors and evolutionary conservation, is inconclusive as to whether the variant alters gene splicing. In the absence of RNA/functional studies, the actual effect of this sequence change is unknown.